The following is an entry in ClinVar:

ClinVar aggregate classification (germline): Uncertain significance. Review status: criteria provided, multiple submitters, no conflicts (2 of 4 stars). 2 submissions from 2 submitters: Uncertain significance (2). Last evaluated 2023-02-18.

Conditions:
Familial sleep-related hypermotor epilepsy. Also called: Autosomal Dominant Sleep-Related Hypermotor (Hyperkinetic) Epilepsy. Identifiers: Orphanet 98784, MedGen C3696898, MONDO:0000030.
Inborn genetic diseases. Identifiers: MedGen C0950123, MeSH D030342.

Allele frequency attached by ClinVar (database versions not stated): gnomAD 0.00003 and 0.00004.

Submissions (2):

Labcorp Genetics (formerly Invitae), Labcorp
Classification: Uncertain significance. Last evaluated: 2023-02-18. Review status: criteria provided, single submitter. Criteria: Invitae Variant Classification Sherloc (09022015). Collection method: clinical testing. Allele origin: germline.
Comment: In summary, the available evidence is currently insufficient to determine the role of this variant in disease. Therefore, it has been classified as a Variant of Uncertain Significance. Advanced modeling of protein sequence and biophysical properties (such as structural, functional, and spatial information, amino acid conservation, physicochemical variation, residue mobility, and thermodynamic stability) performed at Invitae indicates that this missense variant is not expected to disrupt CHRNB2 protein function. ClinVar contains an entry for this variant (Variation ID: 1426885). This variant has not been reported in the literature in individuals affected with CHRNB2-related conditions. The frequency data for this variant in the population databases is considered unreliable, as metrics indicate poor data quality at this position in the gnomAD database. This sequence change replaces alanine, which is neutral and non-polar, with serine, which is neutral and polar, at codon 357 of the CHRNB2 protein (p.Ala357Ser).

Ambry Genetics
Classification: Uncertain significance for Inborn genetic diseases. Last evaluated: 2022-03-03. Review status: criteria provided, single submitter. Criteria: Ambry Variant Classification Scheme 2023. Collection method: clinical testing. Allele origin: germline.

NM_000748.3(CHRNB2):c.1069G>T (p.Ala357Ser)

Gene: CHRNB2 (cholinergic receptor nicotinic beta 2 subunit; plus strand). Cytogenetic location: 1q21.3.
Variant type: single nucleotide variant.
Coding change: c.1069G>T on transcript NM_000748.3 (MANE Select); coding-DNA position 1069, G replaced by T.
Protein change: p.Ala357Ser; replaces alanine 357 with serine.
Molecular consequence: missense variant.
Genome position (GRCh38, 1-based): chr1:154,571,892, G>T. VCF-style: chr1-154571892-G-T. GRCh37 (hg19) VCF-style: chr1-154544368-G-T.
Other names: c.1069G>T (NM_000748.2); short protein forms A357S.
Identifiers: ClinVar variation 1426885 (VCV001426885.9), dbSNP rs1421654764, ClinGen allele CA342631425.